The following is an entry in ClinVar:

NM_000218.3(KCNQ1):c.947G>T (p.Gly316Val)

Gene: KCNQ1 (potassium voltage-gated channel subfamily Q member 1; plus strand). Cytogenetic location: 11p15.5.
Variant type: single nucleotide variant.
Coding change: c.947G>T on transcript NM_000218.3 (MANE Select); coding-DNA position 947, G replaced by T.
Protein change: p.Gly316Val; replaces glycine 316 with valine.
Molecular consequence: missense variant.
Genome position (GRCh38, 1-based): chr11:2,583,460, G>T. VCF-style: chr11-2583460-G-T. GRCh37 (hg19) VCF-style: chr11-2604690-G-T.
Other names: c.947G>T (LRG_287t1); c.947G>T, p.Gly316Val (NM_001406836.1); c.677G>T, p.Gly226Val (NM_001406837.1); c.503G>T, p.Gly168Val (NM_001406838.1); c.566G>T, p.Gly189Val (NM_181798.2); short protein forms G316V, G189V, G168V, G226V.
Identifiers: ClinVar variation 67127 (VCV000067127.3), dbSNP rs199472749, ClinGen allele CA008856.
Genomic context (GRCh38, chr11:2,583,460, plus strand): 5'-CCATCCGTGGCTGACCACTGTCCCTCTCCCTGCAGGTCACAGTCACCACCATCGGCTATG[G>T]GGACAAGGTGCCCCAGACGTGGGTCGGGAAGACCATCGCCTCCTGCTTCTCTGTCTTTGC-3'
Protein context (NP_000209.2, residues 306-326): GVVTVTTIGY[Gly316Val]DKVPQTWVGK

ClinVar aggregate classification (germline): not provided (0 of 4 stars; one submission).

Conditions:
Familial long QT syndrome (RWS). Also called: Congenital long QT syndrome; Romano-Ward syndrome; VENTRICULAR FIBRILLATION WITH PROLONGED QT INTERVAL. Identifiers: Orphanet 768, MedGen C1141890, MONDO:0019171.

Submission:

Cardiovascular Biomedical Research Unit, Royal Brompton & Harefield NHS Foundation Trust
No classification provided. Condition: Familial long QT syndrome. Review status: no classification provided. Collection method: literature only. Allele origin: germline.
Comment: This variant has been reported as associated with Long QT syndrome in the following publications (PMID:19716085). This is a literature report, and does not necessarily reflect the clinical interpretation of the Imperial College / Royal Brompton Cardiovascular Genetics laboratory.

Literature cited by the submitters: PubMed 19716085; PubMed 22581653.